The following is an entry in ClinVar:

NM_025114.4(CEP290):c.3810A>G (p.Leu1270=)

Gene: CEP290 (centrosomal protein 290; minus strand). Cytogenetic location: 12q21.32.
Variant type: single nucleotide variant.
Coding change: c.3810A>G on transcript NM_025114.4 (MANE Select); coding-DNA position 3810, A replaced by G.
Protein change: p.Leu1270=; no amino-acid change (leucine 1270 retained).
Molecular consequence: synonymous variant.
Genome position (GRCh38, 1-based): chr12:88,089,251, T>C on the plus strand (A>G on the coding strand, the complement: CEP290 is on the minus strand). VCF-style: chr12-88089251-T-C. GRCh37 (hg19) VCF-style: chr12-88483028-T-C.
Other names: c.3810A>G (NM_025114.3).
Identifiers: ClinVar variation 991338 (VCV000991338.11), dbSNP rs769060806, ClinGen allele CA6712079.

ClinVar aggregate classification (germline): Likely benign. Review status: criteria provided, multiple submitters, no conflicts (2 of 4 stars). 3 submissions from 3 submitters: Likely benign (2). 1 of the submissions does not count toward it. Last evaluated 2026-01-26.

Conditions:
CEP290-related disorder. Also called: CEP290-related condition; CEP290-related disorders. Identifiers: MedGen CN239314.
Nephronophthisis. Also called: Juvenile Nephronophthisis. Identifiers: Orphanet 655, MedGen C0687120, MONDO:0019005, HP:0000090.
Meckel-Gruber syndrome. Also called: GRUBER SYNDROME; Dysencephalia splachnocystica; DYSENCEPHALIA SPLANCHNOCYSTICA. Identifiers: Orphanet 564, MedGen C0265215, MONDO:0018921.
Joubert syndrome. Also called: Familial aplasia of the vermis; JOUBERT-BOLTSHAUSER SYNDROME. Identifiers: Orphanet 475, MedGen C5979921, MONDO:0018772.
Leber congenital amaurosis (LCA). Also called: Leber's amaurosis. Identifiers: Orphanet 65, MedGen C0339527, MeSH D057130, MONDO:0018998.

Allele frequency attached by ClinVar (database versions not stated): gnomAD exomes 0.00001 and 0.00004; ExAC 0.00005.

Submissions (3):

Labcorp Genetics (formerly Invitae), Labcorp
Classification: Likely benign for Joubert syndrome; Meckel-Gruber syndrome; Nephronophthisis. Last evaluated: 2026-01-26. Review status: criteria provided, single submitter. Criteria: Invitae Variant Classification Sherloc (09022015). Collection method: clinical testing. Allele origin: germline.

PreventionGenetics, part of Exact Sciences
Classification: Likely benign for CEP290-related condition. Last evaluated: 2026-01-07. Review status: criteria provided, single submitter. Criteria: ACMG Guidelines, 2015. Collection method: clinical testing. Allele origin: germline.
Comment: This variant is classified as likely benign based on ACMG/AMP sequence variant interpretation guidelines (Richards et al. 2015 PMID: 25741868, with internal and published modifications).

Natera, Inc.
Classification: Uncertain significance for Leber congenital amaurosis. Last evaluated: 2020-04-17. Review status: no assertion criteria provided. Collection method: clinical testing. Allele origin: germline. Not counted in ClinVar's aggregate classification.